The following is an entry in ClinVar:

NM_004369.4(COL6A3):c.7329C>T (p.Ala2443=)

Gene: COL6A3 (collagen type VI alpha 3 chain; minus strand). Cytogenetic location: 2q37.3.
Variant type: single nucleotide variant.
Coding change: c.7329C>T on transcript NM_004369.4 (MANE Select); coding-DNA position 7329, C replaced by T.
Protein change: p.Ala2443=; no amino-acid change (alanine 2443 retained).
Molecular consequence: synonymous variant.
Genome position (GRCh38, 1-based): chr2:237,344,689, G>A on the plus strand (C>T on the coding strand, the complement: COL6A3 is on the minus strand). VCF-style: chr2-237344689-G-A. GRCh37 (hg19) VCF-style: chr2-238253332-G-A.
Other names: p.Ala2443=; c.5508C>T, p.Ala1836= (NM_057166.5); c.6711C>T, p.Ala2237= (NM_057167.4).
Identifiers: ClinVar variation 94985 (VCV000094985.32), dbSNP rs10084221, ClinGen allele CA148024.

ClinVar aggregate classification (germline): Benign. Review status: criteria provided, multiple submitters, no conflicts (2 of 4 stars). 12 submissions from 12 submitters: Benign (9). 3 of the submissions do not count toward it. Last evaluated 2026-02-03.

Conditions:
Collagen 6-related myopathy. Identifiers: MedGen CN117976, MONDO:0100225.
Bethlem myopathy 1A. Also called: Bethlem myopathy 1; Bethlem Muscular Dystrophy; MYOPATHY, BENIGN CONGENITAL, WITH CONTRACTURES. Identifiers: Orphanet 610, MedGen CN029274, MONDO:0024530, OMIM 158810.

Allele frequency attached by ClinVar (database versions not stated): gnomAD 0.06410 and 0.06701; 1000 Genomes Project 30x 0.07495; gnomAD exomes 0.02259 and 0.03202; ExAC 0.03616; TOPMed 0.07171; 1000 Genomes Project 0.07089; ESP Exome Variant Server 0.07520.

Submissions (12):

Labcorp Genetics (formerly Invitae), Labcorp
Classification: Benign for Bethlem myopathy 1A. Last evaluated: 2026-02-03. Review status: criteria provided, single submitter. Criteria: Invitae Variant Classification Sherloc (09022015). Collection method: clinical testing. Allele origin: germline.

Athena Diagnostics
Classification: Benign. Last evaluated: 2025-04-08. Review status: criteria provided, single submitter. Criteria: Athena Diagnostics Criteria. Collection method: clinical testing. Allele origin: unknown.
Comment: The frequency of this variant in the general population is higher than would generally be expected for pathogenic variants in this gene.

Mayo Clinic Laboratories, Mayo Clinic
Classification: Benign. Last evaluated: 2018-04-11. Review status: criteria provided, single submitter. Criteria: ACMG Guidelines, 2015. Collection method: clinical testing. Allele origin: germline. Observed: 56 variant alleles.

Illumina Laboratory Services, Illumina
Classification: Benign for Collagen VI-related myopathy. Last evaluated: 2018-01-13. Review status: criteria provided, single submitter. Criteria: ICSL Variant Classification Criteria 13 December 2019. Collection method: clinical testing. Allele origin: germline.
Comment: This variant was observed in the ICSL laboratory as part of a predisposition screen in an ostensibly healthy population. It had not been previously curated by ICSL or reported in the Human Gene Mutation Database (HGMD: prior to June 1st, 2018), and was therefore a candidate for classification through an automated scoring system. Utilizing variant allele frequency, disease prevalence and penetrance estimates, and inheritance mode, an automated score was calculated to assess if this variant is too frequent to cause the disease. Based on the score and internal cut-off values, a variant classified as benign is not then subjected to further curation. The score for this variant resulted in a classification of benign for this disease.

GeneDx
Classification: Benign. Last evaluated: 2016-02-23. Review status: criteria provided, single submitter. Criteria: GeneDx Variant Classification (06012015). Collection method: clinical testing. Allele origin: germline. Affected: yes.
Comment: This variant is considered likely benign or benign based on one or more of the following criteria: it is a conservative change, it occurs at a poorly conserved position in the protein, it is predicted to be benign by multiple in silico algorithms, and/or has population frequency not consistent with disease.

Genetic Services Laboratory, University of Chicago
Classification: Benign for AllHighlyPenetrant. Last evaluated: 2013-08-15. Review status: criteria provided, single submitter. Criteria: ACMG Guidelines, 2007. Collection method: clinical testing. Allele origin: germline.

Eurofins Ntd Llc (ga)
Classification: Benign. Last evaluated: 2012-07-17. Review status: criteria provided, single submitter. Criteria: EGL Classification Definitions 2015. Collection method: clinical testing. Allele origin: germline. Observed: 13 variant alleles, 13 heterozygotes.

Breakthrough Genomics
Classification: Benign. Review status: criteria provided, single submitter. Criteria: ACMG Guidelines, 2015. Collection method: not provided. Allele origin: germline. Inheritance: Autosomal recessive inheritance. Affected: yes.

PreventionGenetics, part of Exact Sciences
Classification: Benign. Review status: criteria provided, single submitter. Criteria: ACMG Guidelines, 2015. Collection method: clinical testing. Allele origin: germline.

Clinical Genetics, Academic Medical Center
Classification: Benign. Review status: no assertion criteria provided. Collection method: clinical testing. Allele origin: germline. Affected: yes. Study: VKGL Data-share Consensus. Not counted in ClinVar's aggregate classification.

Joint Genome Diagnostic Labs from Nijmegen and Maastricht, Radboudumc and MUMC+
Classification: Benign. Review status: no assertion criteria provided. Collection method: clinical testing. Allele origin: germline. Affected: yes. Study: VKGL Data-share Consensus. Not counted in ClinVar's aggregate classification.

Laboratory of Diagnostic Genome Analysis, Leiden University Medical Center (LUMC)
Classification: Likely benign. Review status: no assertion criteria provided. Collection method: clinical testing. Allele origin: germline. Affected: yes. Study: VKGL Data-share Consensus. Not counted in ClinVar's aggregate classification.